The following is an entry in ClinVar:

NM_006231.4(POLE):c.6817A>T (p.Thr2273Ser)

Gene: POLE (DNA polymerase epsilon, catalytic subunit; minus strand). Cytogenetic location: 12q24.33.
Variant type: single nucleotide variant.
Coding change: c.6817A>T on transcript NM_006231.4 (MANE Select); coding-DNA position 6817, A replaced by T.
Protein change: p.Thr2273Ser; replaces threonine 2273 with serine.
Molecular consequence: missense variant.
Genome position (GRCh38, 1-based): chr12:132,624,741, T>A on the plus strand (A>T on the coding strand, the complement: POLE is on the minus strand). VCF-style: chr12-132624741-T-A. GRCh37 (hg19) VCF-style: chr12-133201327-T-A.
Other names: short protein forms T2273S.
Identifiers: ClinVar variation 240621 (VCV000240621.42), dbSNP rs73481453, ClinGen allele CA6891956.
Genomic context (GRCh38, chr12:132,624,741, plus strand): 5'-CGGGGCCCGGGGCTGGCTAATGGCCCAGCTGTGGGTTCTTCTGCAGCAGCCACTCCAGGG[T>A]CTCCAGGAGGTACGACATGCCGTAGTGCTGGGCAATGTTCCGGAATATTCCGATCTGTTC-3'
Protein context (NP_006222.2, residues 2263-2283): QHYGMSYLLE[Thr2273Ser]LEWLLQKNPQ

ClinVar aggregate classification (germline): Benign/Likely benign. Review status: criteria provided, multiple submitters, no conflicts (2 of 4 stars). 15 submissions from 15 submitters: Benign (9); Likely benign (2). 4 of the submissions do not count toward it. Last evaluated 2026-02-03.

Conditions:
Hereditary cancer-predisposing syndrome. Also called: Tumor predisposition; Hereditary neoplastic syndrome; Neoplastic Syndromes, Hereditary; Hereditary Cancer Syndrome. Identifiers: Orphanet 140162, MedGen C0027672, MeSH D009386, MONDO:0015356.
Colorectal cancer, susceptibility to, 12 (CRCS12). Also called: COLORECTAL CANCER, SUSCEPTIBILITY TO, ON CHROMOSOME 12q24. Identifiers: Orphanet 220460, MedGen C3554460, MONDO:0014038, OMIM 615083.
Carcinoma of colon (CRC). Also called: Colon carcinoma; Colonic carcinoma. Identifiers: MedGen C0699790, MONDO:0002032.

Allele frequency attached by ClinVar (database versions not stated): gnomAD exomes 0.00044 and 0.00120; ExAC 0.00152; gnomAD 0.00422 and 0.00444; ESP Exome Variant Server 0.00484; 1000 Genomes Project 0.00499; TOPMed 0.00505; 1000 Genomes Project 30x 0.00531.
gnomAD v4.1: 1,350 of 1,613,164 alleles (0.084%); highest among the groups gnomAD compares: African/African-American, 1.5%; 8 homozygotes.

Submissions (15):

Labcorp Genetics (formerly Invitae), Labcorp
Classification: Benign. Last evaluated: 2026-02-03. Review status: criteria provided, single submitter. Criteria: Invitae Variant Classification Sherloc (09022015). Collection method: clinical testing. Allele origin: germline.

Dasa
Classification: Benign. Last evaluated: 2025-11-05. Review status: criteria provided, single submitter. Criteria: DASA Assertion Criteria. Collection method: clinical testing. Allele origin: germline.
Comment: NM_006231.4(POLE):c.6817A>T (p.Thr2273Ser) is interpreted as benign based on a combination of available evidence, which may include population frequency, observations in unaffected individuals, intact protein function, lack of segregation with disease, in silico models, amino acid conservation, lack of disease association in case-control studies, and/or inconsistency with the known disease mechanism or impacted region. Based on the available data, this variant is classified as benign.

Center for Genomic Medicine, Rigshospitalet, Copenhagen University Hospital
Classification: Benign. Last evaluated: 2025-03-04. Review status: criteria provided, single submitter. Criteria: ACMG Guidelines, 2015. Collection method: clinical testing. Allele origin: germline.

KCCC/NGS Laboratory, Kuwait Cancer Control Center
Classification: Benign for Colorectal cancer, susceptibility to, 12. Last evaluated: 2023-07-07. Review status: criteria provided, single submitter. Criteria: ACMG Guidelines, 2015. Collection method: clinical testing. Allele origin: germline. Affected: yes.

ARUP Laboratories, Molecular Genetics and Genomics, ARUP Laboratories
Classification: Benign. Last evaluated: 2020-03-20. Review status: criteria provided, single submitter. Criteria: ARUP Molecular Germline Variant Investigation Process. Collection method: clinical testing. Allele origin: germline.

Women's Health and Genetics/Laboratory Corporation of America, LabCorp
Classification: Benign. Last evaluated: 2018-08-27. Review status: criteria provided, single submitter. Criteria: LabCorp Variant Classification Summary - May 2015. Collection method: clinical testing. Allele origin: germline.
Comment: Variant summary: POLE c.6817A>T (p.Thr2273Ser) results in a conservative amino acid change in the encoded protein sequence. Four of five in-silico tools predict a benign effect of the variant on protein function. The variant allele was found at a frequency of 0.0015 in 276634 control chromosomes, predominantly at a frequency of 0.016 within the African subpopulation in the gnomAD database, including 5 homozygotes. The observed variant frequency within African control individuals in the gnomAD database is approximately 1126 fold of the estimated maximal expected allele frequency for a pathogenic variant in POLE causing Colorectal Cancer phenotype (1.4e-05), strongly suggesting that the variant is a benign polymorphism found primarily in populations of African origin. To our knowledge, no occurrence of c.6817A>T in individuals affected with Colorectal Cancer and no experimental evidence demonstrating its impact on protein function have been reported. Six clinical diagnostic laboratories have submitted clinical-significance assessments for this variant to ClinVar after 2014 without evidence for independent evaluation. All laboratories classified the variant as benign/likely benign. Based on the evidence outlined above, the variant was classified as benign.

GeneDx
Classification: Likely benign. Last evaluated: 2018-01-18. Review status: criteria provided, single submitter. Criteria: GeneDx Variant Classification (06012015). Collection method: clinical testing. Allele origin: germline. Affected: yes.
Comment: This variant is considered likely benign or benign based on one or more of the following criteria: it is a conservative change, it occurs at a poorly conserved position in the protein, it is predicted to be benign by multiple in silico algorithms, and/or has population frequency not consistent with disease.

Quest Diagnostics Nichols Institute San Juan Capistrano
Classification: Benign. Last evaluated: 2017-06-07. Review status: criteria provided, single submitter. Criteria: Quest Diagnostics criteria. Collection method: clinical testing. Allele origin: unknown.

PreventionGenetics, part of Exact Sciences
Classification: Benign. Last evaluated: 2016-12-30. Review status: criteria provided, single submitter. Criteria: ACMG Guidelines, 2015. Collection method: clinical testing. Allele origin: germline.

Ambry Genetics
Classification: Benign for Hereditary cancer-predisposing syndrome. Last evaluated: 2015-06-04. Review status: criteria provided, single submitter. Criteria: Ambry Variant Classification Scheme 2023. Collection method: clinical testing. Allele origin: germline.

Breakthrough Genomics
Classification: Likely benign. Review status: criteria provided, single submitter. Criteria: ACMG Guidelines, 2015. Collection method: not provided. Allele origin: germline. Inheritance: Autosomal recessive inheritance. Affected: yes.

Genetic Services Laboratory, University of Chicago
Classification: Benign. Last evaluated: 2022-07-27. Review status: no assertion criteria provided. Collection method: clinical testing. Allele origin: germline. Affected: no. Not counted in ClinVar's aggregate classification.

True Health Diagnostics
Classification: Likely benign for Hereditary cancer-predisposing syndrome. Last evaluated: 2017-09-11. Review status: no assertion criteria provided. Collection method: clinical testing. Allele origin: germline. Not counted in ClinVar's aggregate classification.

Counsyl
Classification: Benign for Colorectal cancer, susceptibility to, 12. Last evaluated: 2016-08-05. Review status: no assertion criteria provided. Collection method: clinical testing. Allele origin: unknown. Not counted in ClinVar's aggregate classification.

Department of Pathology and Laboratory Medicine, Sinai Health System
Classification: Benign for Carcinoma of colon. Review status: no assertion criteria provided. Collection method: clinical testing. Allele origin: unknown. Affected: yes. Study: The Canadian Open Genetics Repository (COGR). Not counted in ClinVar's aggregate classification.
Comment: The POLE p.Thr2273Ser variant was not identified in the literature. The variant was identified in dbSNP (ID: rs73481453) as â€šÃ„ÃºWith other alleleâ€šÃ„Ã¹ and ClinVar (classified as benign by Invitae, Ambry Genetics and 4 other submitters; and as likely benign by GeneDx and 1 other submitter). The variant was identified in control databases in 424 (5 homozygous) of 276634 chromosomes at a frequency of 0.002, increasing the likelihood this could be a low frequency benign variant (Genome Aggregation Database Feb 27, 2017). The variant was observed in the following populations: African in 385 (5 homozygous) of 23998 chromosomes (freq: 0.02), Other in 5 of 6450 chromosomes (freq: 0.0008), Latino in 28 of 34420 chromosomes (freq: 0.0008), European Non-Finnish in 5 of 126184 chromosomes (freq: 0.00004), and South Asian in 1 of 30782 chromosomes (freq: 0.00003); it was not observed in the Ashkenazi Jewish, East Asian, or European Finnish populations. The p.Thr2273Ser residue is not conserved in mammals and four out of five computational analyses (PolyPhen-2, SIFT, AlignGVGD, BLOSUM, MutationTaster) do not suggest a high likelihood the variant Ser impacts the protein; however, this information is not predictive enough to rule out pathogenicity. The variant occurs outside of the splicing consensus sequence and 1 of 4 in silico or computational prediction software programs (SpliceSiteFinder, MaxEntScan, NNSPLICE, GeneSplicer) predict a greater than 10% difference in splicing; this is not very predictive of pathogenicity. In summary, based on the above information, this variant meets our laboratory's criteria to be classified as benign.